The following is an entry in ClinVar:

ClinVar aggregate classification (germline): Likely pathogenic. Review status: criteria provided, single submitter (1 of 4 stars). 2 submissions from 2 submitters: Likely pathogenic (1). 1 of the submissions does not count toward it. Last evaluated 2022-02-25.

Conditions:
Neuromuscular disease caused by qualitative or quantitative defects of dysferlin. Also called: Dysferlinopathy; Qualitative or quantitative defects of dysferlin. Identifiers: Orphanet 207073, MedGen C2931687, MONDO:0016145.
Autosomal recessive limb-girdle muscular dystrophy type 2B (LGMDR2). Also called: MUSCULAR DYSTROPHY, LIMB-GIRDLE, AUTOSOMAL RECESSIVE 2; MUSCULAR DYSTROPHY, LIMB-GIRDLE, TYPE 3; Limb-girdle muscular dystrophy, type 2B; Limb-Girdle Muscular Dystrophy Type 2B (LGMD2B). Identifiers: Orphanet 268, MedGen C1850889, MONDO:0009676, OMIM 253601.

Submissions (2):

Labcorp Genetics (formerly Invitae), Labcorp
Classification: Likely pathogenic for Neuromuscular disease caused by qualitative or quantitative defects of dysferlin. Last evaluated: 2022-02-25. Review status: criteria provided, single submitter. Criteria: Invitae Variant Classification Sherloc (09022015). Collection method: clinical testing. Allele origin: germline.
Comment: In summary, the currently available evidence indicates that the variant is pathogenic, but additional data are needed to prove that conclusively. Therefore, this variant has been classified as Likely Pathogenic. Algorithms developed to predict the effect of sequence changes on RNA splicing suggest that this variant may disrupt the consensus splice site. ClinVar contains an entry for this variant (Variation ID: 556459). This variant has not been reported in the literature in individuals affected with DYSF-related conditions. This variant is not present in population databases (gnomAD no frequency). This sequence change affects an acceptor splice site in intron 8 of the DYSF gene. It is expected to disrupt RNA splicing. Variants that disrupt the donor or acceptor splice site typically lead to a loss of protein function (PMID: 16199547), and loss-of-function variants in DYSF are known to be pathogenic (PMID: 17698709, 20301480).

Counsyl
Classification: Likely pathogenic for Autosomal recessive limb-girdle muscular dystrophy type 2B. Last evaluated: 2018-02-06. Review status: no assertion criteria provided. Collection method: clinical testing. Allele origin: unknown. Not counted in ClinVar's aggregate classification.

Literature cited by the submitters: PubMed 16199547 (cited by Labcorp Genetics (formerly Invitae), Labcorp); PubMed 17698709 (cited by Labcorp Genetics (formerly Invitae), Labcorp); PubMed 20301480 (cited by Labcorp Genetics (formerly Invitae), Labcorp).

NM_001130987.2(DYSF):c.952-2A>G

Gene: DYSF (dysferlin; plus strand). Cytogenetic location: 2p13.2.
Variant type: single nucleotide variant.
Coding change: c.952-2A>G on transcript NM_001130987.2 (MANE Select); the canonical splice acceptor site of the intron before coding-DNA position 952, A replaced by G.
Molecular consequence: splice acceptor variant.
Genome position (GRCh38, 1-based): chr2:71,516,987, A>G. VCF-style: chr2-71516987-A-G. GRCh37 (hg19) VCF-style: chr2-71744117-A-G.
Other names: c.949-2A>G (NM_001130979.2, NM_001130981.2, NM_001130980.2); c.856-2A>G (NM_001130978.2, NM_003494.4, NM_001130977.2 and 1 more transcripts); c.952-2A>G (NM_001130982.2, NM_001130985.2); c.859-2A>G (NM_001130983.2, NM_001130455.2, NM_001130984.2 and 1 more transcripts).
Identifiers: ClinVar variation 556459 (VCV000556459.8), dbSNP rs1553522730, ClinGen allele CA347210021.